The following is an entry in ClinVar:

NM_001127671.2(LIFR):c.1994dup (p.Arg666fs)

Gene: LIFR (LIF receptor subunit alpha; minus strand). Cytogenetic location: 5p13.1.
Variant type: Duplication.
Coding change: c.1994dup on transcript NM_001127671.2 (MANE Select); coding-DNA position 1994, one base duplicated (C; older notation c.1994dupC).
Protein change: p.Arg666fs; shifts the reading frame from arginine 666.
Molecular consequence: frameshift variant.
Genome position (GRCh38, 1-based): chr5:38,493,677, G duplicated on the plus strand (C on the coding strand, the reverse complement: LIFR is on the minus strand). VCF-style (leftmost placement, unchanged base first): chr5-38493676-A-AG. GRCh37 (hg19) VCF-style: chr5-38493778-A-AG.
Other names: c.1994dup, p.Arg666fs (NM_001364297.2, NM_001364298.2, NM_002310.6); short protein forms R666fs.
Identifiers: ClinVar variation 2034342 (VCV002034342.4), dbSNP rs2530988286, ClinGen allele CA2580073270.
Genomic context (GRCh38, chr5:38,493,676, plus strand): 5'-TACAGTTTCAGTGCTGTTTGAGGGAACTTTTCTCCAGTCCATAAGGCATGGTTCCGACCG[A>AG]GACGAGTTACACCACTTAATGACGTAGTCGCAAGTCATGTTGGGGTCGTAATGCCAGGTG-3'

ClinVar aggregate classification (germline): Pathogenic (1 of 4 stars; one submission).

Submission:

Labcorp Genetics (formerly Invitae), Labcorp
Classification: Pathogenic. Last evaluated: 2022-10-06. Review status: criteria provided, single submitter. Criteria: Invitae Variant Classification Sherloc (09022015). Collection method: clinical testing. Allele origin: germline.
Comment: This sequence change creates a premature translational stop signal (p.Arg666Serfs*18) in the LIFR gene. It is expected to result in an absent or disrupted protein product. Loss-of-function variants in LIFR are known to be pathogenic (PMID: 14740318). This variant is not present in population databases (gnomAD no frequency). This variant has not been reported in the literature in individuals affected with LIFR-related conditions. For these reasons, this variant has been classified as Pathogenic.

Literature cited by the submitters: PubMed 14740318.